The following is an entry in ClinVar:

NM_000891.3(KCNJ2):c.1181T>G (p.Val394Gly)

Gene: KCNJ2 (potassium inwardly rectifying channel subfamily J member 2; plus strand). Cytogenetic location: 17q24.3.
Variant type: single nucleotide variant.
Coding change: c.1181T>G on transcript NM_000891.3 (MANE Select); coding-DNA position 1181, T replaced by G.
Protein change: p.Val394Gly; replaces valine 394 with glycine.
Molecular consequence: missense variant.
Genome position (GRCh38, 1-based): chr17:70,176,220, T>G. VCF-style: chr17-70176220-T-G. GRCh37 (hg19) VCF-style: chr17-68172361-T-G.
Other names: short protein forms V394G.
Identifiers: ClinVar variation 4788618 (VCV004788618.1).

ClinVar aggregate classification (germline): Uncertain significance (1 of 4 stars; one submission).

Conditions:
Andersen Tawil syndrome (LQT7). Also called: ANDERSEN CARDIODYSRHYTHMIC PERIODIC PARALYSIS; LONG QT SYNDROME 7; PERIODIC PARALYSIS, POTASSIUM-SENSITIVE CARDIODYSRHYTHMIC TYPE; Andersen Syndrome; Potassium-sensitive periodic paralysis, ventricular ectopy, and dysmorphic features. Identifiers: Orphanet 37553, MedGen C1563715, MONDO:0008222, OMIM 170390.
Short QT syndrome type 3. Identifiers: Orphanet 51083, MedGen C1865018, MONDO:0012314, OMIM 609622.

Submission:

Labcorp Genetics (formerly Invitae), Labcorp
Classification: Uncertain significance for Short QT syndrome type 3; Andersen Tawil syndrome. Last evaluated: 2025-03-09. Review status: criteria provided, single submitter. Criteria: Invitae Variant Classification Sherloc (09022015). Collection method: clinical testing. Allele origin: germline.
Comment: This sequence change replaces valine, which is neutral and non-polar, with glycine, which is neutral and non-polar, at codon 394 of the KCNJ2 protein (p.Val394Gly). This variant is not present in population databases (gnomAD no frequency). This variant has not been reported in the literature in individuals affected with KCNJ2-related conditions. Invitae Evidence Modeling of protein sequence and biophysical properties (such as structural, functional, and spatial information, amino acid conservation, physicochemical variation, residue mobility, and thermodynamic stability) indicates that this missense variant is not expected to disrupt KCNJ2 protein function with a negative predictive value of 95%. In summary, the available evidence is currently insufficient to determine the role of this variant in disease. Therefore, it has been classified as a Variant of Uncertain Significance.